The following is an entry in ClinVar:

NM_206933.4(USH2A):c.9312del (p.Thr3105fs)

Gene: USH2A (usherin; minus strand). Cytogenetic location: 1q41.
Variant type: Deletion.
Coding change: c.9312del on transcript NM_206933.4 (MANE Select); coding-DNA position 9312, one base deleted (C; older notation c.9312delC).
Protein change: p.Thr3105fs; shifts the reading frame from threonine 3105.
Molecular consequence: frameshift variant.
Genome position (GRCh38, 1-based): chr1:215,838,050, G deleted on the plus strand (C on the coding strand, the reverse complement: USH2A is on the minus strand); the first of 2 consecutive G bases (chr1:215,838,050-215,838,051); deleting either gives the same sequence. VCF-style (leftmost placement, unchanged base first): chr1-215838049-TG-T. GRCh37 (hg19) VCF-style: chr1-216011391-TG-T.
Other names: short protein forms T3105fs.
Identifiers: ClinVar variation 1357169 (VCV001357169.6), dbSNP rs2102816598, ClinGen allele CA2573131591.

ClinVar aggregate classification (germline): Pathogenic (1 of 4 stars; one submission).

Submission:

Labcorp Genetics (formerly Invitae), Labcorp
Classification: Pathogenic. Last evaluated: 2022-06-27. Review status: criteria provided, single submitter. Criteria: Invitae Variant Classification Sherloc (09022015). Collection method: clinical testing. Allele origin: germline.
Comment: For these reasons, this variant has been classified as Pathogenic. This variant has not been reported in the literature in individuals affected with USH2A-related conditions. This variant is not present in population databases (gnomAD no frequency). This sequence change creates a premature translational stop signal (p.Thr3105Leufs*55) in the USH2A gene. It is expected to result in an absent or disrupted protein product. Loss-of-function variants in USH2A are known to be pathogenic (PMID: 10729113, 10909849, 20507924, 25649381).

Literature cited by the submitters: PubMed 10729113; PubMed 10909849; PubMed 20507924; PubMed 25649381.